The following is an entry in ClinVar:

NM_001035.3(RYR2):c.12256C>T (p.Arg4086Cys)

Gene: RYR2 (ryanodine receptor 2; plus strand). Cytogenetic location: 1q43.
Variant type: single nucleotide variant.
Coding change: c.12256C>T on transcript NM_001035.3 (MANE Select); coding-DNA position 12256, C replaced by T.
Protein change: p.Arg4086Cys; replaces arginine 4086 with cysteine.
Molecular consequence: missense variant.
Genome position (GRCh38, 1-based): chr1:237,783,968, C>T. VCF-style: chr1-237783968-C-T. GRCh37 (hg19) VCF-style: chr1-237947268-C-T.
Other names: short protein forms R4086C.
Identifiers: ClinVar variation 1702564 (VCV001702564.4), dbSNP rs1251459666, ClinGen allele CA345412809.

ClinVar aggregate classification (germline): Uncertain significance. Review status: criteria provided, multiple submitters, no conflicts (2 of 4 stars). 2 submissions from 2 submitters: Uncertain significance (2). Last evaluated 2026-06-12.

Conditions:
Catecholaminergic polymorphic ventricular tachycardia (CVPT). Also called: Catecholamine-induced polymorphic ventricular tachycardia. Identifiers: Orphanet 3286, MedGen C5574922, MONDO:0017990.

gnomAD v4.1: 2 of 1,613,738 alleles (0.00012%); highest among the groups gnomAD compares: Non-Finnish European, 0.00017%; no homozygotes.

Submissions (2):

GeneDx
Classification: Uncertain significance. Last evaluated: 2026-06-12. Review status: criteria provided, single submitter. Criteria: GeneDx Variant Classification Process June 2021. Collection method: clinical testing. Allele origin: germline.
Comment: Reliable data are not available in large population cohorts to assess the frequency of this variant in publicly available databases; however, this variant has not been detected at significant frequency in presumably healthy individuals tested at GeneDx.; In silico analysis supports that this missense variant has a deleterious effect on protein structure/function; Has not been previously published as pathogenic or benign to our knowledge; Located in one of the three hot-spot regions of the RYR2 gene, where the majority of pathogenic missense variants occur (PMID: 19926015); This variant is associated with the following publications: (PMID: 19926015)

All of Us Research Program, National Institutes of Health
Classification: Uncertain significance for Catecholaminergic polymorphic ventricular tachycardia. Last evaluated: 2023-12-18. Review status: criteria provided, single submitter. Criteria: ACMG Guidelines, 2015. Collection method: clinical testing. Allele origin: germline. Inheritance: Autosomal dominant inheritance. Observed: 2 variant alleles, 2 heterozygotes.
Comment: This missense variant replaces arginine with cysteine at codon 4086 of the RYR2 protein. Computational prediction is inconclusive regarding the impact of this variant on protein structure and function (internally defined REVEL score threshold 0.5 < inconclusive < 0.7, PMID: 27666373). To our knowledge, functional studies have not been reported for this variant. This variant has not been reported in individuals affected with RYR2-related disorders in the literature. This variant has not been identified in the general population by the Genome Aggregation Database (gnomAD). The available evidence is insufficient to determine the role of this variant in disease conclusively. Therefore, this variant is classified as a Variant of Uncertain Significance.

This study involves interpretation of variants in research participants for the purpose of population health screening. Participant phenotype was not available at the time of variant classification. Additional details can be found in publication PMID: 35346344, PMCID: PMC8962531